The following is an entry in ClinVar:

ClinVar aggregate classification (germline): Uncertain significance. Review status: criteria provided, single submitter (1 of 4 stars). 2 submissions from 2 submitters: Uncertain significance (1). 1 of the submissions does not count toward it. Last evaluated 2025-08-02.

Conditions:
TAL1-related disorder. Also called: TAL1-related condition.

Allele frequency attached by ClinVar (database versions not stated): gnomAD exomes 0.00012; gnomAD 0.00142; TOPMed 0.00153; 1000 Genomes Project 30x 0.00297; 1000 Genomes Project 0.00319.
gnomAD v4.1: 352 of 1,283,728 alleles (0.027%); highest among the groups gnomAD compares: African/African-American, 0.51%; 2 homozygotes.

Submissions (2):

Ambry Genetics
Classification: Uncertain significance. Last evaluated: 2025-08-02. Review status: criteria provided, single submitter. Criteria: Ambry Variant Classification Scheme 2023. Collection method: clinical testing. Allele origin: germline.

PreventionGenetics, part of Exact Sciences
Classification: Likely benign for TAL1-related condition. Last evaluated: 2023-02-26. Review status: no assertion criteria provided. Collection method: clinical testing. Allele origin: germline. Not counted in ClinVar's aggregate classification.
Comment: This variant is classified as likely benign based on ACMG/AMP sequence variant interpretation guidelines (Richards et al. 2015 PMID: 25741868, with internal and published modifications).

NM_001290403.2(TAL1):c.310G>T (p.Ala104Ser)

Gene: TAL1 (TAL bHLH transcription factor 1, erythroid differentiation factor; minus strand). Cytogenetic location: 1p33.
Variant type: single nucleotide variant.
Coding change: c.310G>T on transcript NM_001290403.2 (MANE Select); coding-DNA position 310, G replaced by T.
Protein change: p.Ala104Ser; replaces alanine 104 with serine.
Molecular consequence: missense variant. On other transcripts: intron variant (1).
Genome position (GRCh38, 1-based): chr1:47,225,579, C>A on the plus strand (G>T on the coding strand, the complement: TAL1 is on the minus strand). VCF-style: chr1-47225579-C-A. GRCh37 (hg19) VCF-style: chr1-47691251-C-A.
Other names: c.310G>T (NM_003189.2); c.310G>T, p.Ala104Ser (NM_001287347.2, NM_001290404.1, NM_001290405.1 and 1 more transcripts); c.-31-1481G>T (NM_001290406.2); short protein forms A104S.
Identifiers: ClinVar variation 3039271 (VCV003039271.3), dbSNP rs567961282, ClinGen allele CA22045043.